The following is an entry in ClinVar:

NM_153704.6(TMEM67):c.1220A>T (p.His407Leu)

Gene: TMEM67 (transmembrane protein 67; plus strand). Cytogenetic location: 8q22.1.
Variant type: single nucleotide variant.
Coding change: c.1220A>T on transcript NM_153704.6 (MANE Select); coding-DNA position 1220, A replaced by T.
Protein change: p.His407Leu; replaces histidine 407 with leucine.
Molecular consequence: missense variant. On other transcripts: non-coding transcript variant (1).
Genome position (GRCh38, 1-based): chr8:93,785,310, A>T. VCF-style: chr8-93785310-A-T. GRCh37 (hg19) VCF-style: chr8-94797538-A-T.
Other names: c.977A>T, p.His326Leu (NM_001142301.1); short protein forms H326L, H407L.
Identifiers: ClinVar variation 1928270 (VCV001928270.5), dbSNP rs777641401, ClinGen allele CA4807902.

ClinVar aggregate classification (germline): Uncertain significance. Review status: criteria provided, multiple submitters, no conflicts (2 of 4 stars). 3 submissions from 3 submitters: Uncertain significance (3). Last evaluated 2025-12-21.

Conditions:
Inborn genetic diseases. Identifiers: MedGen C0950123, MeSH D030342.
Joubert syndrome. Also called: JOUBERT-BOLTSHAUSER SYNDROME; Familial aplasia of the vermis. Identifiers: Orphanet 475, MedGen C5979921, MONDO:0018772.
Meckel-Gruber syndrome. Also called: DYSENCEPHALIA SPLANCHNOCYSTICA; GRUBER SYNDROME; Dysencephalia splachnocystica. Identifiers: Orphanet 564, MedGen C0265215, MONDO:0018921.

gnomAD v4.1: 48 of 1,606,904 alleles (0.003%); highest among the groups gnomAD compares: Non-Finnish European, 0.0039%; no homozygotes.

Submissions (3):

Labcorp Genetics (formerly Invitae), Labcorp
Classification: Uncertain significance for Joubert syndrome; Meckel-Gruber syndrome. Last evaluated: 2025-12-21. Review status: criteria provided, single submitter. Criteria: Invitae Variant Classification Sherloc (09022015). Collection method: clinical testing. Allele origin: germline.
Comment: This sequence change replaces histidine, which is basic and polar, with leucine, which is neutral and non-polar, at codon 407 of the TMEM67 protein (p.His407Leu). This variant is present in population databases (rs777641401, gnomAD 0.009%). This variant has not been reported in the literature in individuals affected with TMEM67-related conditions. ClinVar contains an entry for this variant (Variation ID: 1928270). Invitae Evidence Modeling of protein sequence and biophysical properties (such as structural, functional, and spatial information, amino acid conservation, physicochemical variation, residue mobility, and thermodynamic stability) has been performed for this missense variant. However, the output from this modeling did not meet the statistical confidence thresholds required to predict the impact of this variant on TMEM67 protein function. In summary, the available evidence is currently insufficient to determine the role of this variant in disease. Therefore, it has been classified as a Variant of Uncertain Significance.

Ambry Genetics
Classification: Uncertain significance for Inborn genetic diseases. Last evaluated: 2025-06-07. Review status: criteria provided, single submitter. Criteria: Ambry Variant Classification Scheme 2023. Collection method: clinical testing. Allele origin: germline.

Blueprint Genetics
Classification: Uncertain significance. Last evaluated: 2024-08-14. Review status: criteria provided, single submitter. Criteria: ACMG Guidelines, 2015. Collection method: clinical testing. Allele origin: germline.